The following is an entry in ClinVar:

NM_020461.4(TUBGCP6):c.4726C>G (p.His1576Asp)

Gene: TUBGCP6 (tubulin gamma complex component 6; minus strand). Cytogenetic location: 22q13.33.
Variant type: single nucleotide variant.
Coding change: c.4726C>G on transcript NM_020461.4 (MANE Select); coding-DNA position 4726, C replaced by G.
Protein change: p.His1576Asp; replaces histidine 1576 with aspartic acid.
Molecular consequence: missense variant.
Genome position (GRCh38, 1-based): chr22:50,218,798, G>C on the plus strand (C>G on the coding strand, the complement: TUBGCP6 is on the minus strand). VCF-style: chr22-50218798-G-C. GRCh37 (hg19) VCF-style: chr22-50657227-G-C.
Other names: short protein forms H1576D.
Identifiers: ClinVar variation 2101312 (VCV002101312.4), dbSNP rs2519123262, ClinGen allele CA412168657.

ClinVar aggregate classification (germline): Uncertain significance (1 of 4 stars; one submission).

Submission:

Labcorp Genetics (formerly Invitae), Labcorp
Classification: Uncertain significance. Last evaluated: 2022-11-22. Review status: criteria provided, single submitter. Criteria: Invitae Variant Classification Sherloc (09022015). Collection method: clinical testing. Allele origin: germline.
Comment: In summary, the available evidence is currently insufficient to determine the role of this variant in disease. Therefore, it has been classified as a Variant of Uncertain Significance. Algorithms developed to predict the effect of missense changes on protein structure and function (SIFT, PolyPhen-2, Align-GVGD) all suggest that this variant is likely to be tolerated. This variant has not been reported in the literature in individuals affected with TUBGCP6-related conditions. This variant is not present in population databases (gnomAD no frequency). This sequence change replaces histidine, which is basic and polar, with aspartic acid, which is acidic and polar, at codon 1576 of the TUBGCP6 protein (p.His1576Asp).